The following is an entry in ClinVar:

ClinVar aggregate classification (germline): Uncertain significance (1 of 4 stars; one submission).

Submission:

Labcorp Genetics (formerly Invitae), Labcorp
Classification: Uncertain significance. Last evaluated: 2022-03-10. Review status: criteria provided, single submitter. Criteria: Invitae Variant Classification Sherloc (09022015). Collection method: clinical testing. Allele origin: germline.
Comment: In summary, the available evidence is currently insufficient to determine the role of this variant in disease. Therefore, it has been classified as a Variant of Uncertain Significance. Algorithms developed to predict the effect of sequence changes on RNA splicing suggest that this variant may disrupt the consensus splice site. This variant has not been reported in the literature in individuals affected with BACH2-related conditions. This variant is not present in population databases (gnomAD no frequency). This sequence change falls in intron 7 of the BACH2 gene. It does not directly change the encoded amino acid sequence of the BACH2 protein.

NM_021813.4(BACH2):c.1837-5T>A

Gene: BACH2 (BACH transcriptional regulator 2; minus strand). Cytogenetic location: 6q15.
Variant type: single nucleotide variant.
Coding change: c.1837-5T>A on transcript NM_021813.4 (MANE Select); 5 bases into the intron before coding-DNA position 1837, T replaced by A.
Molecular consequence: intron variant.
Genome position (GRCh38, 1-based): chr6:89,938,355, A>T on the plus strand (T>A on the coding strand, the complement: BACH2 is on the minus strand). VCF-style: chr6-89938355-A-T. GRCh37 (hg19) VCF-style: chr6-90648074-A-T.
Other names: c.1837-5T>A (NM_001170794.2).
Identifiers: ClinVar variation 2108222 (VCV002108222.4), dbSNP rs2533546191, ClinGen allele CA2580075964.
Genomic context (GRCh38, chr6:89,938,355, plus strand): 5'-TGGAAATCGTTCCTTGGAAGATCTGTGATTTGATCTACAGGAAAAGGAAGTTTTACCTGA[A>T]ACCAAGAATAACAGAAAATGATTATGGCAGCTGGATTTTAATTCTGGCAGGCGGAACATC-3'